The following is an entry in ClinVar:

ClinVar aggregate classification (germline): Pathogenic. Review status: reviewed by expert panel (3 of 4 stars). 8 submissions from 8 submitters: Pathogenic (1). 7 of the submissions do not count toward it. Last evaluated 2016-09-08.

Conditions:
Hereditary cancer-predisposing syndrome. Also called: Tumor predisposition; Hereditary neoplastic syndrome; Hereditary Cancer Syndrome; Neoplastic Syndromes, Hereditary. Identifiers: Orphanet 140162, MedGen C0027672, MeSH D009386, MONDO:0015356.
Hereditary breast ovarian cancer syndrome. Also called: Hereditary breast and/or ovarian cancer syndrome; Breast and ovarian cancer; Hereditary breast and ovarian cancer syndrome; Hereditary breast and ovarian cancer; Hereditary breast and ovarian cancer syndrome (HBOC); BRCA1- and BRCA2-Associated Hereditary Breast and Ovarian Cancer. Identifiers: Orphanet 145, MedGen C0677776, MeSH D061325, MONDO:0003582. Disease mechanism: loss of function.
Breast-ovarian cancer, familial, susceptibility to, 1 (BROVCA1). Also called: BRCA1 Hereditary Breast and Ovarian Cancer; OVARIAN CANCER, SUSCEPTIBILITY TO. Identifiers: Orphanet 145, MedGen C2676676, MONDO:0011450, OMIM 604370. Disease mechanism: loss of function.

Submissions (8):

Evidence-based Network for the Interpretation of Germline Mutant Alleles (ENIGMA)
Classification: Pathogenic for Breast-ovarian cancer, familial, susceptibility to, 1. Last evaluated: 2016-09-08. Review status: reviewed by expert panel. Criteria: ENIGMA BRCA1/2 Classification Criteria (2015). Collection method: curation. Allele origin: germline.
Comment: Variant allele predicted to encode a truncated non-functional protein.

Labcorp Genetics (formerly Invitae), Labcorp
Classification: Pathogenic for Hereditary breast ovarian cancer syndrome. Last evaluated: 2025-05-02. Review status: criteria provided, single submitter. Criteria: Invitae Variant Classification Sherloc (09022015). Collection method: clinical testing. Allele origin: germline. Not counted in ClinVar's aggregate classification.
Comment: This sequence change creates a premature translational stop signal (p.Pro58Leufs*11) in the BRCA1 gene. It is expected to result in an absent or disrupted protein product. Loss-of-function variants in BRCA1 are known to be pathogenic (PMID: 20104584). This variant is not present in population databases (gnomAD no frequency). This premature translational stop signal has been observed in individual(s) with clinical features of BRCA1-related conditions (PMID: 10923033, 21520333). ClinVar contains an entry for this variant (Variation ID: 125589). For these reasons, this variant has been classified as Pathogenic.

Color Diagnostics, LLC DBA Color Health
Classification: Pathogenic for Hereditary cancer-predisposing syndrome. Last evaluated: 2024-10-15. Review status: criteria provided, single submitter. Criteria: ACMG Guidelines, 2015. Collection method: clinical testing. Allele origin: germline. Not counted in ClinVar's aggregate classification.
Comment: This variant deletes 1 nucleotide in exon 4 of the BRCA1 gene, creating a frameshift and premature translation stop signal. This variant is expected to result in an absent or non-functional protein product. This variant has been reported in three suspected hereditary breast and ovarian cancer families (PMID: 29446198; LOVD individual #00005809, 00158946, 00161409). This variant has not been identified in the general population by the Genome Aggregation Database (gnomAD). Loss of BRCA1 function is a known mechanism of disease. Based on the available evidence, this variant is classified as Pathogenic.

All of Us Research Program, National Institutes of Health
Classification: Pathogenic for Breast-ovarian cancer, familial, susceptibility to, 1. Last evaluated: 2023-08-28. Review status: criteria provided, single submitter. Criteria: ACMG Guidelines, 2015. Collection method: clinical testing. Allele origin: germline. Inheritance: Autosomal dominant inheritance. Observed: 1 variant allele, 1 heterozygote. Not counted in ClinVar's aggregate classification.
Comment: This variant deletes 1 nucleotide in exon 4 of the BRCA1 gene, creating a frameshift and premature translation stop signal. This variant is expected to result in an absent or non-functional protein product. This variant has been reported in three suspected hereditary breast and ovarian cancer families (PMID: 29446198; LOVD individual #00005809, 00158946, 00161409). This variant has not been identified in the general population by the Genome Aggregation Database (gnomAD). Loss of BRCA1 function is a known mechanism of disease. Based on the available evidence, this variant is classified as Pathogenic.

This study involves interpretation of variants in research participants for the purpose of population health screening. Participant phenotype was not available at the time of variant classification. Additional details can be found in publication PMID: 35346344, PMCID: PMC8962531

GeneDx
Classification: Pathogenic. Last evaluated: 2016-12-27. Review status: criteria provided, single submitter. Criteria: GeneDx Variant Classification (06012015). Collection method: clinical testing. Allele origin: germline. Affected: yes. Not counted in ClinVar's aggregate classification.
Comment: This deletion of one nucleotide in BRCA1 is denoted c.171delG at the cDNA level and p.Pro58LeufsX11 (P58LfsX11) at the protein level. The normal sequence, with the base that is deleted in brackets, is AAGG[delG]CCTT. The deletion causes a frameshift which changes a Proline to a Leucine at codon 58, and creates a premature stop codon at position 11 of the new reading frame. Although this variant has not, to our knowledge, been reported in the literature, it is predicted to cause loss of normal protein function through either protein truncation or nonsense-mediated mRNA decay. We consider this variant to be pathogenic.

Consortium of Investigators of Modifiers of BRCA1/2 (CIMBA), c/o University of Cambridge
Classification: Pathogenic for Breast-ovarian cancer, familial, susceptibility to, 1. Last evaluated: 2015-10-02. Review status: criteria provided, single submitter. Criteria: CIMBA Mutation Classification guidelines May 2016. Collection method: clinical testing. Allele origin: germline. Not counted in ClinVar's aggregate classification.

Research Molecular Genetics Laboratory, Women's College Hospital, University of Toronto
Classification: Pathogenic for Hereditary breast ovarian cancer syndrome. Last evaluated: 2014-01-31. Review status: no assertion criteria provided. Collection method: research. Allele origin: germline. Affected: yes. Study: The Canadian Open Genetics Repository (COGR). Not counted in ClinVar's aggregate classification.

Breast Cancer Information Core (BIC) (BRCA1)
Classification: Pathogenic for Breast-ovarian cancer, familial 1. Last evaluated: 2002-06-20. Review status: no assertion criteria provided. Collection method: clinical testing. Allele origin: germline. Affected: yes. Observed: 1 variant allele. Not counted in ClinVar's aggregate classification.

Literature cited by the submitters: PubMed 20104584 (cited by Labcorp Genetics (formerly Invitae), Labcorp); PubMed 10923033 (cited by Labcorp Genetics (formerly Invitae), Labcorp); PubMed 21520333 (cited by Labcorp Genetics (formerly Invitae), Labcorp); PubMed 29446198 (cited by Color Diagnostics, LLC DBA Color Health and All of Us Research Program, National Institutes of Health).

NM_007294.4(BRCA1):c.171del (p.Pro58fs)

Gene: BRCA1 (BRCA1 DNA repair associated; minus strand). Cytogenetic location: 17q21.31.
Variant type: Deletion.
Coding change: c.171del on transcript NM_007294.4 (MANE Select); coding-DNA position 171, one base deleted (G; older notation c.171delG).
Protein change: p.Pro58fs; shifts the reading frame from proline 58.
Molecular consequence: frameshift variant. On other transcripts: non-coding transcript variant (1).
Genome position (GRCh38, 1-based): chr17:43,106,497, C deleted on the plus strand (G on the coding strand, the reverse complement: BRCA1 is on the minus strand); the first of 3 consecutive C bases (chr17:43,106,497-43,106,499); deleting any one gives the same sequence. VCF-style (leftmost placement, unchanged base first): chr17-43106496-GC-G. GRCh37 (hg19) VCF-style: chr17-41258513-GC-G.
Other names: 290delG; c.171delG (NM_007294.3); c.-20delG (NM_001407571.1, NM_001407853.1, NM_001407879.1 and 58 more transcripts); c.169delG, p.Pro58Leufs (NM_001407581.1, NM_001407582.1, NM_001407583.1 and 166 more transcripts); c.28delG, p.Pro11Leufs (NM_001407692.1, NM_001407694.1, NM_001407695.1 and 98 more transcripts); c.30del, p.Pro11fs (NM_007297.4); c.171del, p.Pro58fs (NM_007299.4, NM_007300.4); short protein forms P58fs, P11fs.
Identifiers: ClinVar variation 125589 (VCV000125589.17), dbSNP rs80357660, ClinGen allele CA001126.
Genomic context (GRCh38, chr17:43,106,496, plus strand): 5'-ATCATTACCAAATTATATACCTTTTGGTTATATCATTCTTACATAAAGGACACTGTGAAG[GC>G]CCTTTCTTCTGGTTGAGAAGTTTCAGCATGCAAAATCTATAAATTATAAAGAAAGAAAGA-3'